The following is an entry in ClinVar:

ClinVar aggregate classification (germline): Uncertain significance (1 of 4 stars; one submission).

Conditions:
Cardiovascular phenotype. Identifiers: MedGen CN230736.

Submission:

Ambry Genetics
Classification: Uncertain significance for Cardiovascular phenotype. Last evaluated: 2026-02-09. Review status: criteria provided, single submitter. Criteria: Ambry Variant Classification Scheme 2023. Collection method: clinical testing. Allele origin: germline.
Comment: The p.L1478* variant (also known as c.4433T>G), located in coding exon 31 of the LAMA4 gene, results from a T to G substitution at nucleotide position 4433. This changes the amino acid from a leucine to a stop codon within coding exon 31. The evidence for this gene-disease relationship is limited; therefore, the clinical significance of this variant is unclear.

NM_001105206.3(LAMA4):c.4454T>G (p.Leu1485Ter)

Gene: LAMA4 (laminin subunit alpha 4; minus strand). Cytogenetic location: 6q21.
Variant type: single nucleotide variant.
Coding change: c.4454T>G on transcript NM_001105206.3 (MANE Select); coding-DNA position 4454, T replaced by G.
Protein change: p.Leu1485Ter; replaces leucine 1485 with a stop codon.
Molecular consequence: nonsense.
Genome position (GRCh38, 1-based): chr6:112,122,035, A>C on the plus strand (T>G on the coding strand, the complement: LAMA4 is on the minus strand). VCF-style: chr6-112122035-A-C. GRCh37 (hg19) VCF-style: chr6-112443238-A-C.
Other names: c.4433T>G, p.Leu1478Ter (NM_001105207.3, NM_002290.5); short protein forms L1478*, L1485*.
Identifiers: ClinVar variation 4841349 (VCV004841349.1).